The following is an entry in ClinVar:

NM_000465.4(BARD1):c.2066A>G (p.Asp689Gly)

Gene: BARD1 (BRCA1 associated RING domain 1; minus strand). Cytogenetic location: 2q35.
Variant type: single nucleotide variant.
Coding change: c.2066A>G on transcript NM_000465.4 (MANE Select); coding-DNA position 2066, A replaced by G.
Protein change: p.Asp689Gly; replaces aspartic acid 689 with glycine.
Molecular consequence: missense variant. On other transcripts: non-coding transcript variant (3).
Genome position (GRCh38, 1-based): chr2:214,728,944, T>C on the plus strand (A>G on the coding strand, the complement: BARD1 is on the minus strand). VCF-style: chr2-214728944-T-C. GRCh37 (hg19) VCF-style: chr2-215593668-T-C.
Other names: c.2009A>G, p.Asp670Gly (NM_001282543.2); c.713A>G, p.Asp238Gly (NM_001282545.2); c.656A>G, p.Asp219Gly (NM_001282548.2); c.527A>G, p.Asp176Gly (NM_001282549.2); short protein forms D689G, D670G, D219G, D238G, D176G.
Identifiers: ClinVar variation 406793 (VCV000406793.27), dbSNP rs1060501312, ClinGen allele CA16610683.
Genomic context (GRCh38, chr2:214,728,944, plus strand): 5'-GGCTTGGGCTTTCTACTGAGGATCTGGCCCCCACCTGCAGTGACGAGCTTAATAAGGTTG[T>C]CCTTTGGATGGTGTTTGAAGGTTCCCCACAAATAGAAGTAGCATCCATCAAACAGCTTTG-3'
Protein context (NP_000456.2, residues 679-699): LWGTFKHHPK[Asp689Gly]NLIKLVTAGG

ClinVar aggregate classification (germline): Uncertain significance. Review status: criteria provided, multiple submitters, no conflicts (2 of 4 stars). 8 submissions from 8 submitters: Uncertain significance (8). Last evaluated 2025-09-02.

Conditions:
Hereditary cancer-predisposing syndrome. Also called: Hereditary Cancer Syndrome; Hereditary neoplastic syndrome; Neoplastic Syndromes, Hereditary; Tumor predisposition. Identifiers: Orphanet 140162, MedGen C0027672, MeSH D009386, MONDO:0015356.
Familial cancer of breast. Also called: BREAST CANCER, FAMILIAL; Hereditary breast cancer; hereditary breast carcinoma. Identifiers: Orphanet 227535, MedGen C0346153, MONDO:0016419, OMIM 114480. Disease mechanism: loss of function.

Allele frequency attached by ClinVar (database versions not stated): gnomAD exomes below 0.00001; gnomAD 0.00001.
gnomAD v4.1: 7 of 1,614,072 alleles (0.00043%); highest among the groups gnomAD compares: Admixed American, 0.0033%; no homozygotes.

Submissions (8):

Labcorp Genetics (formerly Invitae), Labcorp
Classification: Uncertain significance for Familial cancer of breast. Last evaluated: 2025-09-02. Review status: criteria provided, single submitter. Criteria: Invitae Variant Classification Sherloc (09022015). Collection method: clinical testing. Allele origin: germline.
Comment: This sequence change replaces aspartic acid, which is acidic and polar, with glycine, which is neutral and non-polar, at codon 689 of the BARD1 protein (p.Asp689Gly). This variant is present in population databases (no rsID available, gnomAD 0.003%). This variant has not been reported in the literature in individuals affected with BARD1-related conditions. ClinVar contains an entry for this variant (Variation ID: 406793). An algorithm developed to predict the effect of missense changes on protein structure and function (PolyPhen-2) suggests that this variant is likely to be tolerated. In summary, the available evidence is currently insufficient to determine the role of this variant in disease. Therefore, it has been classified as a Variant of Uncertain Significance.

Ambry Genetics
Classification: Uncertain significance for Hereditary cancer-predisposing syndrome. Last evaluated: 2025-06-28. Review status: criteria provided, single submitter. Criteria: Ambry Variant Classification Scheme 2023. Collection method: clinical testing. Allele origin: germline.
Comment: The p.D689G variant (also known as c.2066A>G), located in coding exon 11 of the BARD1 gene, results from an A to G substitution at nucleotide position 2066. The aspartic acid at codon 689 is replaced by glycine, an amino acid with similar properties. This amino acid position is not well conserved in available vertebrate species. In addition, this alteration is predicted to be tolerated by in silico analysis. Since supporting evidence is limited at this time, the clinical significance of this alteration remains unclear.

GeneDx
Classification: Uncertain significance. Last evaluated: 2024-07-30. Review status: criteria provided, single submitter. Criteria: GeneDx Variant Classification Process June 2021. Collection method: clinical testing. Allele origin: germline. Affected: yes.
Comment: Not observed at significant frequency in large population cohorts (gnomAD); In silico analysis supports that this missense variant has a deleterious effect on protein structure/function; This variant is associated with the following publications: (PMID: 17550235, 27498913)

Baylor Genetics
Classification: Uncertain significance for Familial cancer of breast. Last evaluated: 2023-09-23. Review status: criteria provided, single submitter. Criteria: ACMG Guidelines, 2015. Collection method: clinical testing. Allele origin: unknown.

Color Diagnostics, LLC DBA Color Health
Classification: Uncertain significance for Hereditary cancer-predisposing syndrome. Last evaluated: 2022-10-10. Review status: criteria provided, single submitter. Criteria: ACMG Guidelines, 2015. Collection method: clinical testing. Allele origin: germline.
Comment: This missense variant replaces aspartic acid with glycine at codon 689 of the BARD1 protein. Computational prediction suggests that this variant may not impact protein structure and function (internally defined REVEL score threshold <= 0.5, PMID: 27666373). To our knowledge, functional studies have not been reported for this variant. This variant has not been reported in individuals affected with hereditary cancer in the literature. This variant has been identified in 1/251272 chromosomes in the general population by the Genome Aggregation Database (gnomAD). The available evidence is insufficient to determine the role of this variant in disease conclusively. Therefore, this variant is classified as a Variant of Uncertain Significance.

Revvity Omics, Revvity
Classification: Uncertain significance. Last evaluated: 2022-09-21. Review status: criteria provided, single submitter. Criteria: ACMG Guidelines, 2015. Collection method: clinical testing. Allele origin: germline.

Department of Pathology and Laboratory Medicine, Sinai Health System
Classification: Uncertain significance for Familial cancer of breast. Last evaluated: 2022-08-04. Review status: criteria provided, single submitter. Criteria: ACMG Guidelines, 2015. Collection method: clinical testing. Allele origin: germline. Affected: yes.

Women's Health and Genetics/Laboratory Corporation of America, LabCorp
Classification: Uncertain significance. Last evaluated: 2019-09-23. Review status: criteria provided, single submitter. Criteria: LabCorp Variant Classification Summary - May 2015. Collection method: clinical testing. Allele origin: germline.
Comment: Variant summary: BARD1 c.2066A>G (p.Asp689Gly) results in a non-conservative amino acid change located in the second BRCT domain (IPR001357) of the encoded protein sequence. Four of five in-silico tools predict a damaging effect of the variant on protein function. The variant allele was found at a frequency of 4e-06 in 251272 control chromosomes (gnomAD). The available data on variant occurrences in the general population are insufficient to allow any conclusion about variant significance. To our knowledge, no occurrence of c.2066A>G in individuals affected with Breast Cancer and no experimental evidence demonstrating its impact on protein function have been reported. Co-occurrence with another pathogenic variant has been reported (APC c.3927_3931delAAAGA, p.Glu1309fsX4) (LCA internal database), providing supporting evidence for a benign role. One clinical diagnostic laboratory has submitted clinical-significance assessments for this variant to ClinVar after 2014 without evidence for independent evaluation and classified the variant as uncertain significance. Based on the evidence outlined above, the variant was classified as uncertain significance.